The following is an entry in ClinVar:

ClinVar aggregate classification (germline): Uncertain significance (1 of 4 stars; one submission).

Submission:

GeneDx
Classification: Uncertain significance. Last evaluated: 2024-07-18. Review status: criteria provided, single submitter. Criteria: GeneDx Variant Classification Process June 2021. Collection method: clinical testing. Allele origin: germline. Affected: yes.
Comment: Not observed at significant frequency in large population cohorts (gnomAD); In silico analysis supports that this missense variant has a deleterious effect on protein structure/function; Has not been previously published as pathogenic or benign to our knowledge

NM_006164.5(NFE2L2):c.1480C>G (p.Gln494Glu)

Gene: NFE2L2 (NFE2 like bZIP transcription factor 2; minus strand). Cytogenetic location: 2q31.2.
Variant type: single nucleotide variant.
Coding change: c.1480C>G on transcript NM_006164.5 (MANE Select); coding-DNA position 1480, C replaced by G.
Protein change: p.Gln494Glu; replaces glutamine 494 with glutamic acid.
Molecular consequence: missense variant.
Genome position (GRCh38, 1-based): chr2:177,231,123, G>C on the plus strand (C>G on the coding strand, the complement: NFE2L2 is on the minus strand). VCF-style: chr2-177231123-G-C. GRCh37 (hg19) VCF-style: chr2-178095851-G-C.
Other names: c.1432C>G, p.Gln478Glu (NM_001145412.3, NM_001313900.1, NM_001313901.1); c.1411C>G, p.Gln471Glu (NM_001145413.3); c.1390C>G, p.Gln464Glu (NM_001313902.2); c.1261C>G, p.Gln421Glu (NM_001313903.2); c.1180C>G, p.Gln394Glu (NM_001313904.1); short protein forms Q394E, Q421E, Q464E, Q471E, Q478E, Q494E.
Identifiers: ClinVar variation 3573880 (VCV003573880.1).